The following is an entry in ClinVar:

NM_016121.5(KCTD3):c.1203A>C (p.Val401=)

Gene: KCTD3 (potassium channel tetramerization domain containing 3; plus strand). Cytogenetic location: 1q41.
Variant type: single nucleotide variant.
Coding change: c.1203A>C on transcript NM_016121.5 (MANE Select); coding-DNA position 1203, A replaced by C.
Protein change: p.Val401=; no amino-acid change (valine 401 retained).
Molecular consequence: synonymous variant.
Genome position (GRCh38, 1-based): chr1:215,604,196, A>C. VCF-style: chr1-215604196-A-C. GRCh37 (hg19) VCF-style: chr1-215777538-A-C.
Other names: c.1203A>C (NM_016121.4); c.1203A>C, p.Val401= (NM_001319294.2); c.897A>C, p.Val299= (NM_001319295.2).
Identifiers: ClinVar variation 4932946 (VCV004932946.2).

ClinVar aggregate classification (germline): Likely benign. Review status: criteria provided, multiple submitters, no conflicts (2 of 4 stars). 2 submissions from 2 submitters: Likely benign (2). Last evaluated 2026-06-17.

Conditions:
KCTD3-related disorder. Also called: KCTD3-related condition.

gnomAD v4.1: 26 of 1,613,722 alleles (0.0016%); highest among the groups gnomAD compares: Non-Finnish European, 0.0022%; no homozygotes.

Submissions (2):

PreventionGenetics, part of Exact Sciences
Classification: Likely benign for KCTD3-related condition. Last evaluated: 2026-06-17. Review status: criteria provided, single submitter. Criteria: ACMG Guidelines, 2015. Collection method: clinical testing. Allele origin: germline.
Comment: This variant is classified as likely benign based on ACMG/AMP sequence variant interpretation guidelines (Richards et al. 2015 PMID: 25741868, with internal and published modifications).

Blueprint Genetics
Classification: Likely benign. Last evaluated: 2024-06-07. Review status: criteria provided, single submitter. Criteria: ACMG Guidelines, 2015. Collection method: clinical testing. Allele origin: germline.